The following is an entry in ClinVar:

NM_030665.4(RAI1):c.4963G>A (p.Gly1655Ser)

Gene: RAI1 (retinoic acid induced 1; plus strand). Cytogenetic location: 17p11.2.
Variant type: single nucleotide variant.
Coding change: c.4963G>A on transcript NM_030665.4 (MANE Select); coding-DNA position 4963, G replaced by A.
Protein change: p.Gly1655Ser; replaces glycine 1655 with serine.
Molecular consequence: missense variant.
Genome position (GRCh38, 1-based): chr17:17,797,911, G>A. VCF-style: chr17-17797911-G-A. GRCh37 (hg19) VCF-style: chr17-17701225-G-A.
Other names: c.4963G>A (NM_030665.3); short protein forms G1655S.
Identifiers: ClinVar variation 196551 (VCV000196551.12), dbSNP rs794727522, ClinGen allele CA243542.

ClinVar aggregate classification (germline): Uncertain significance. Review status: criteria provided, multiple submitters, no conflicts (2 of 4 stars). 4 submissions from 4 submitters: Uncertain significance (4). Last evaluated 2025-05-05.

Conditions:
RAI1-related disorder. Also called: RAI1-related condition.
Smith-Magenis syndrome (SMS). Also called: CHROMOSOME 17p11.2 DELETION SYNDROME. Identifiers: Orphanet 819, MedGen C0795864, MONDO:0008434, OMIM 182290.
PMP22-RAI1 contiguous gene duplication syndrome. Also called: Yuan-Harel-Lupski syndrome. Identifiers: Orphanet 477817, MedGen C4225255, MONDO:0014723, OMIM 616652.

Allele frequency attached by ClinVar (database versions not stated): gnomAD exomes below 0.00001; gnomAD 0.00001; TOPMed 0.00001.
gnomAD v4.1: 3 of 1,613,838 alleles (0.00019%); highest among the groups gnomAD compares: African/African-American, 0.004%; no homozygotes.

Submissions (4):

PreventionGenetics, part of Exact Sciences
Classification: Uncertain significance for RAI1-related condition. Last evaluated: 2025-05-05. Review status: criteria provided, single submitter. Criteria: ACMG Guidelines, 2015. Collection method: clinical testing. Allele origin: germline.
Comment: The RAI1 c.4963G>A variant is predicted to result in the amino acid substitution p.Gly1655Ser. To our knowledge, this variant has not been reported in the literature or in a large population database, indicating this variant is rare. At this time, the clinical significance of this variant is uncertain due to the absence of conclusive functional and genetic evidence.

Labcorp Genetics (formerly Invitae), Labcorp
Classification: Uncertain significance. Last evaluated: 2024-06-10. Review status: criteria provided, single submitter. Criteria: Invitae Variant Classification Sherloc (09022015). Collection method: clinical testing. Allele origin: germline.
Comment: This sequence change replaces glycine, which is neutral and non-polar, with serine, which is neutral and polar, at codon 1655 of the RAI1 protein (p.Gly1655Ser). This variant is not present in population databases (gnomAD no frequency). This variant has not been reported in the literature in individuals affected with RAI1-related conditions. ClinVar contains an entry for this variant (Variation ID: 196551). Advanced modeling of protein sequence and biophysical properties (such as structural, functional, and spatial information, amino acid conservation, physicochemical variation, residue mobility, and thermodynamic stability) performed at Invitae indicates that this missense variant is not expected to disrupt RAI1 protein function with a negative predictive value of 80%. In summary, the available evidence is currently insufficient to determine the role of this variant in disease. Therefore, it has been classified as a Variant of Uncertain Significance.

New York Genome Center
Classification: Uncertain significance for Smith-Magenis syndrome. Last evaluated: 2021-01-29. Review status: criteria provided, single submitter. Criteria: NYGC Assertion Criteria 2020. Collection method: clinical testing. Allele origin: inherited. Observed: 1 heterozygote. Study: CSER-NYCKidSeq.

Eurofins Ntd Llc (ga)
Classification: Uncertain significance. Last evaluated: 2014-07-15. Review status: criteria provided, single submitter. Criteria: EGL Classification Definitions 2015. Collection method: clinical testing. Allele origin: germline. Observed: 1 variant allele, 1 heterozygote.